The following is an entry in ClinVar:

ClinVar aggregate classification (germline): Uncertain significance. Review status: criteria provided, multiple submitters, no conflicts (2 of 4 stars). 2 submissions from 2 submitters: Uncertain significance (2). Last evaluated 2025-11-05.

Conditions:
Inborn genetic diseases. Identifiers: MedGen C0950123, MeSH D030342.
Cowden syndrome 6 (CWS6). Identifiers: Orphanet 201, MedGen C3554519, MONDO:0014048, OMIM 615109.

Allele frequency attached by ClinVar (database versions not stated): gnomAD exomes below 0.00001; TOPMed below 0.00001; ExAC 0.00001; gnomAD 0.00001.

Submissions (2):

Ambry Genetics
Classification: Uncertain significance for Inborn genetic diseases. Last evaluated: 2025-11-05. Review status: criteria provided, single submitter. Criteria: Ambry Variant Classification Scheme 2023. Collection method: clinical testing. Allele origin: germline.
Comment: The c.971A>G (p.N324S) alteration is located in exon 12 (coding exon 10) of the AKT1 gene. This alteration results from a A to G substitution at nucleotide position 971, causing the asparagine (N) at amino acid position 324 to be replaced by a serine (S). Based on data from gnomAD, the G allele has an overall frequency of <0.001% (1/251210) total alleles studied. The highest observed frequency was 0.001% (1/113636) of European (non-Finnish) alleles. Based on insufficient or conflicting evidence, the clinical significance of this alteration remains unclear.

Labcorp Genetics (formerly Invitae), Labcorp
Classification: Uncertain significance for Cowden syndrome 6. Last evaluated: 2023-11-10. Review status: criteria provided, single submitter. Criteria: Invitae Variant Classification Sherloc (09022015). Collection method: clinical testing. Allele origin: germline.
Comment: This sequence change replaces asparagine, which is neutral and polar, with serine, which is neutral and polar, at codon 324 of the AKT1 protein (p.Asn324Ser). This variant is present in population databases (rs746397537, gnomAD 0.0009%). This variant has not been reported in the literature in individuals affected with AKT1-related conditions. An algorithm developed to predict the effect of missense changes on protein structure and function (PolyPhen-2) suggests that this variant is likely to be tolerated. In summary, the available evidence is currently insufficient to determine the role of this variant in disease. Therefore, it has been classified as a Variant of Uncertain Significance.

NM_001382430.1(AKT1):c.971A>G (p.Asn324Ser)

Gene: AKT1 (AKT serine/threonine kinase 1; minus strand). Cytogenetic location: 14q32.33.
Variant type: single nucleotide variant.
Coding change: c.971A>G on transcript NM_001382430.1 (MANE Select); coding-DNA position 971, A replaced by G.
Protein change: p.Asn324Ser; replaces asparagine 324 with serine.
Molecular consequence: missense variant.
Genome position (GRCh38, 1-based): chr14:104,773,079, T>C on the plus strand (A>G on the coding strand, the complement: AKT1 is on the minus strand). VCF-style: chr14-104773079-T-C. GRCh37 (hg19) VCF-style: chr14-105239416-T-C.
Other names: c.971A>G, p.Asn324Ser (NM_001014431.2, NM_001014432.2, NM_001382431.1 and 3 more transcripts); short protein forms N324S.
Identifiers: ClinVar variation 2902017 (VCV002902017.5), dbSNP rs746397537, ClinGen allele CA7374585.